The following is an entry in ClinVar:

ClinVar aggregate classification (germline): Pathogenic (1 of 4 stars; one submission).

Conditions:
Duchenne muscular dystrophy (DMD). Also called: MUSCULAR DYSTROPHY, PSEUDOHYPERTROPHIC PROGRESSIVE, DUCHENNE TYPE; Duchenne Muscular Dystrophy (DMD). Identifiers: Orphanet 98896, MedGen C0013264, MONDO:0010679, OMIM 310200.

Submission:

Labcorp Genetics (formerly Invitae), Labcorp
Classification: Pathogenic for Duchenne muscular dystrophy. Last evaluated: 2019-09-29. Review status: criteria provided, single submitter. Criteria: Invitae Variant Classification Sherloc (09022015). Collection method: clinical testing. Allele origin: germline.
Comment: This sequence change creates a premature translational stop signal (p.Gln453*) in the DMD gene. It is expected to result in an absent or disrupted protein product. This variant is not present in population databases (ExAC no frequency). This variant has been observed in an individual affected with Duchenne muscular dystrophy (PMID: 21515508). Loss-of-function variants in DMD are known to be pathogenic (PMID: 16770791, 25007885). For these reasons, this variant has been classified as Pathogenic.

Literature cited by the submitters: PubMed 21515508; PubMed 16770791; PubMed 25007885.

NM_004006.3(DMD):c.1357C>T (p.Gln453Ter)

Gene: DMD (dystrophin; minus strand). Cytogenetic location: Xp21.1.
Variant type: single nucleotide variant.
Coding change: c.1357C>T on transcript NM_004006.3 (MANE Select); coding-DNA position 1357, C replaced by T.
Protein change: p.Gln453Ter; replaces glutamine 453 with a stop codon.
Molecular consequence: nonsense.
Genome position (GRCh38, 1-based): chrX:32,614,428, G>A on the plus strand (C>T on the coding strand, the complement: DMD is on the minus strand). VCF-style: chrX-32614428-G-A. GRCh37 (hg19) VCF-style: chrX-32632545-G-A.
Other names: c.1333C>T, p.Gln445Ter (NM_000109.4); c.1345C>T, p.Gln449Ter (NM_004009.3); c.988C>T, p.Gln330Ter (NM_004010.3); short protein forms Q445*, Q330*, Q449*, Q453*.
Identifiers: ClinVar variation 969322 (VCV000969322.11), dbSNP rs2057404615, ClinGen allele CA412670407.
Genomic context (GRCh38, chrX:32,614,428, plus strand): 5'-TCCTTGTTCTTTCTTCTGTTTTTGTTAGCCAGTCATTCAACTCTTTCAGTTTCTGATTCT[G>A]GAGATCCATTAAAACTCTATGTAAACTGAAAATTTGAAAGAAGCCTATTATGACCTCTTT-3'